The following is an entry in ClinVar:

ClinVar aggregate classification (germline): Uncertain significance (1 of 4 stars; one submission).

Submission:

GeneDx
Classification: Uncertain significance. Last evaluated: 2026-02-13. Review status: criteria provided, single submitter. Criteria: GeneDx Variant Classification Process June 2021. Collection method: clinical testing. Allele origin: germline.
Comment: Not observed at significant frequency in large population cohorts (gnomAD); In silico analysis suggests that this missense variant does not alter protein structure/function; Has not been previously published as pathogenic or benign to our knowledge

NM_018993.4(RIN2):c.1094C>A (p.Ala365Asp)

Gene: RIN2 (Ras and Rab interactor 2; plus strand). Cytogenetic location: 20p11.23.
Variant type: single nucleotide variant.
Coding change: c.1094C>A on transcript NM_018993.4 (MANE Select); coding-DNA position 1094, C replaced by A.
Protein change: p.Ala365Asp; replaces alanine 365 with aspartic acid.
Molecular consequence: missense variant.
Genome position (GRCh38, 1-based): chr20:19,975,119, C>A. VCF-style: chr20-19975119-C-A. GRCh37 (hg19) VCF-style: chr20-19955763-C-A.
Other names: c.1241C>A, p.Ala414Asp (NM_001242581.2); c.476C>A, p.Ala159Asp (NM_001378238.1); short protein forms A159D, A365D, A414D.
Identifiers: ClinVar variation 4888017 (VCV004888017.1).
Genomic context (GRCh38, chr20:19,975,119, plus strand): 5'-ACGTAGCTCTGCCTGGAACGAAACCAACTCCCATCCCTCCACCCCGGCTGAAGAAGCAGG[C>A]TTCTTTTCTGGAAGCAGAGGGCGGTGCAAAGACCTTGAGCGGCGGCCGGCCGGGCGCAGG-3'
Protein context (NP_061866.1, residues 355-375): PIPPPRLKKQ[Ala365Asp]SFLEAEGGAK